The following is an entry in ClinVar:

ClinVar aggregate classification (germline): Pathogenic/Likely pathogenic. Review status: criteria provided, multiple submitters, no conflicts (2 of 4 stars). 6 submissions from 5 submitters: Pathogenic (4); Likely pathogenic (1). 1 of the submissions does not count toward it. Last evaluated 2026-03-27.

Conditions:
Alport syndrome. Also called: Hemorrhagic familial nephritis; Hemorrhagic hereditary nephritis; Congenital hereditary hematuria. Identifiers: Orphanet 63, MedGen C1567741, MONDO:0018965.
Autosomal dominant Alport syndrome (ATS3A). Also called: Alport syndrome dominant type; Renal failure and sensorineural hearing loss; ALPORT SYNDROME 3A, AUTOSOMAL DOMINANT. Identifiers: Orphanet 63, Orphanet 88918, MedGen C5882663, MONDO:0007086, OMIM 104200.
Alport syndrome 3b, autosomal recessive. Identifiers: MedGen C5882699, MONDO:0957811, OMIM 620536.
Hematuria, benign familial, 2 (BFH2). Identifiers: MedGen C5830421, MONDO:0958186, OMIM 620320.
COL4A3-related disorder. Also called: COL4A3-Related Disorders; COL4A3-related condition.

Submissions (6):

Centre de Génétique Humaine, Institut de Pathologie Et de Génétique
Classification: Pathogenic for Alport syndrome 3b, autosomal recessive. Last evaluated: 2026-03-27. Review status: criteria provided, single submitter. Criteria: ACMG Guidelines, 2015. Collection method: clinical testing. Allele origin: germline. Inheritance: Autosomal recessive inheritance. Affected: yes. Observed: 2 variant alleles, 2 compound heterozygotes. Clinical features observed: Proteinuria (HP:0000093), Renal cyst (HP:0000107). Segregation with disease not observed.
Comment: This 1 bp duplication is a frameshift variant predicted to result in protein truncation or nonsense mediated decay in a gene for which loss-of-function is a known mechanism of disease (PVS1). This variant is rare: allelic frequency of 0.00062% in gnomAD v4.1.0 database (PM2). Described as pathogenic in AR Alport Syndrome patient (PP5)

Centre de Génétique Humaine, Institut de Pathologie Et de Génétique
Classification: Pathogenic for Autosomal dominant Alport syndrome. Last evaluated: 2026-03-27. Review status: criteria provided, single submitter. Criteria: ACMG Guidelines, 2015. Collection method: clinical testing. Allele origin: germline. Inheritance: Autosomal dominant inheritance. Affected: yes. Observed: 1 variant allele, 1 heterozygote. Segregation with disease not observed.
Comment: the same text as in the submission from Centre de Génétique Humaine, Institut de Pathologie Et de Génétique above.

Labcorp Genetics (formerly Invitae), Labcorp
Classification: Pathogenic. Last evaluated: 2026-01-05. Review status: criteria provided, single submitter. Criteria: Invitae Variant Classification Sherloc (09022015). Collection method: clinical testing. Allele origin: germline.
Comment: This sequence change creates a premature translational stop signal (p.Leu175Valfs*38) in the COL4A3 gene. It is expected to result in an absent or disrupted protein product. Loss-of-function variants in COL4A3 are known to be pathogenic (PMID: 8956999, 24854265, 26809805, 27281700). This variant is present in population databases (rs761358728, gnomAD 0.0009%). This variant has not been reported in the literature in individuals affected with COL4A3-related conditions. ClinVar contains an entry for this variant (Variation ID: 1070961). For these reasons, this variant has been classified as Pathogenic.

Natera, Inc.
Classification: Pathogenic for Alport syndrome. Last evaluated: 2024-04-01. Review status: criteria provided, single submitter. Criteria: Natera Variant Classification Schema (03/2026). Collection method: clinical testing. Allele origin: germline.
Comment: The c.522dupG variant in COL4A3 is a frameshift variant predicted to shift the reading frame beginning at codon 175 and leads to a stop codon 38 codons downstream. This variant is expected to result in nonsense mediated decay, truncation, or a dysfunctional protein product. This variant is rare in the general population with a frequency below the threshold expected for the associated phenotype(s). This variant has been observed in one or more individuals affected with the associated recessive disease, as either homozygous or compound heterozygous with a second variant (PMID: 29854973, 33772369). Given the available evidence, this variant is classified as Pathogenic.

Fulgent Genetics
Classification: Likely pathogenic for Autosomal dominant Alport syndrome; Hematuria, benign familial, 2; Alport syndrome 3b, autosomal recessive. Last evaluated: 2023-12-29. Review status: criteria provided, single submitter. Criteria: ACMG Guidelines, 2015. Collection method: clinical testing. Allele origin: germline.

PreventionGenetics, part of Exact Sciences
Classification: Pathogenic for COL4A3-related condition. Last evaluated: 2024-03-28. Review status: no assertion criteria provided. Collection method: clinical testing. Allele origin: germline. Not counted in ClinVar's aggregate classification.
Comment: The COL4A3 c.522dupG variant is predicted to result in a frameshift and premature protein termination (p.Leu175Valfs*38). This variant was reported in the homozygous or compound heterozygous state in individuals with Alport syndrome (Gillion et al 2018. PubMed ID: 29854973; described as c.522_523insG, Zhang et al 2021. PubMed ID: 33772369). This variant is reported in 0.00088% of alleles in individuals of European (Non-Finnish) descent in gnomAD. Frameshift variants in COL4A3 are expected to be pathogenic. This variant is interpreted as pathogenic.

Literature cited by the submitters: PubMed 33772369 (cited by Centre de Génétique Humaine, Institut de Pathologie Et de Génétique and Natera, Inc.); PubMed 8956999 (cited by Labcorp Genetics (formerly Invitae), Labcorp); PubMed 24854265 (cited by Labcorp Genetics (formerly Invitae), Labcorp); PubMed 26809805 (cited by Labcorp Genetics (formerly Invitae), Labcorp); PubMed 27281700 (cited by Labcorp Genetics (formerly Invitae), Labcorp); PubMed 29854973 (cited by Natera, Inc.).

NM_000091.5(COL4A3):c.522dup (p.Leu175fs)

Genes: MFF-DT (MFF divergent transcript; minus strand), COL4A3 (collagen type IV alpha 3 chain; plus strand). Cytogenetic location: 2q36.3.
Variant type: Duplication.
Coding change: c.522dup on transcript NM_000091.5 (MANE Select); coding-DNA position 522, one base duplicated (G; older notation c.522dupG).
Protein change: p.Leu175fs; shifts the reading frame from leucine 175.
Molecular consequence: frameshift variant.
Genome position (GRCh38, 1-based): chr2:227,248,496, G duplicated; the last of 3 consecutive G bases (chr2:227,248,494-227,248,496); duplicating any one gives the same sequence. VCF-style (leftmost placement, unchanged base first): chr2-227248493-C-CG. GRCh37 (hg19) VCF-style: chr2-228113209-C-CG.
Other names: p.(Leu175Valfs*38); c.522dupG (NM_000091.4); short protein forms L175fs.
Identifiers: ClinVar variation 1070961 (VCV001070961.12), dbSNP rs761358728, ClinGen allele CA2146183.